The following is an entry in ClinVar:

NM_000426.4(LAMA2):c.9141dup (p.Ala3048fs)

Gene: LAMA2 (laminin subunit alpha 2; plus strand). Cytogenetic location: 6q22.33.
Variant type: Duplication.
Coding change: c.9141dup on transcript NM_000426.4 (MANE Select); coding-DNA position 9141, one base duplicated (A; older notation c.9141dupA).
Protein change: p.Ala3048fs; shifts the reading frame from alanine 3048.
Molecular consequence: frameshift variant.
Genome position (GRCh38, 1-based): chr6:129,514,525, A duplicated; the last of 2 consecutive A bases (chr6:129,514,524-129,514,525); duplicating either gives the same sequence. VCF-style (leftmost placement, unchanged base first): chr6-129514523-G-GA. GRCh37 (hg19) VCF-style: chr6-129835668-G-GA.
Other names: c.9129dup, p.Ala3044fs (NM_001079823.2); short protein forms A3044fs, A3048fs.
Identifiers: ClinVar variation 2750285 (VCV002750285.3), dbSNP rs2533599570, ClinGen allele CA2697553737.

ClinVar aggregate classification (germline): Pathogenic (1 of 4 stars; one submission).

Conditions:
LAMA2-related muscular dystrophy (LAMA2-RD). Also called: Laminin alpha 2-related dystrophy. Identifiers: MedGen C5679788, MONDO:0100228.

Submission:

Labcorp Genetics (formerly Invitae), Labcorp
Classification: Pathogenic for LAMA2-related muscular dystrophy. Last evaluated: 2023-05-30. Review status: criteria provided, single submitter. Criteria: Invitae Variant Classification Sherloc (09022015). Collection method: clinical testing. Allele origin: germline.
Comment: For these reasons, this variant has been classified as Pathogenic. This variant disrupts a region of the LAMA2 protein in which other variant(s) (p.Thr3080Asnfs*26) have been determined to be pathogenic (PMID: 20207543). This suggests that this is a clinically significant region of the protein, and that variants that disrupt it are likely to be disease-causing. This variant has not been reported in the literature in individuals affected with LAMA2-related conditions. This variant is not present in population databases (gnomAD no frequency). This sequence change creates a premature translational stop signal (p.Ala3048Serfs*12) in the LAMA2 gene. While this is not anticipated to result in nonsense mediated decay, it is expected to disrupt the last 75 amino acid(s) of the LAMA2 protein.

Literature cited by the submitters: PubMed 20207543.